The following is an entry in ClinVar:

ClinVar aggregate classification (germline): Pathogenic/Likely pathogenic. Review status: criteria provided, multiple submitters, no conflicts (2 of 4 stars). 4 submissions from 4 submitters: Pathogenic (2); Likely pathogenic (2). Last evaluated 2026-01-21.

Conditions:
Inborn genetic diseases. Identifiers: MedGen C0950123, MeSH D030342.
Thyroid dyshormonogenesis 6 (TDH6). Also called: Genetic transient congenital hypothyroidism; HYPOTHYROIDISM, CONGENITAL, DUE TO DYSHORMONOGENESIS, 6; THYROID HORMONOGENESIS, GENETIC DEFECT IN, 6. Identifiers: Orphanet 226316, Orphanet 95716, MedGen C1846632, MONDO:0011792, OMIM 607200.

Allele frequency attached by ClinVar (database versions not stated): gnomAD exomes 0.00001; TOPMed 0.00001; ExAC 0.00003; gnomAD 0.00003.
gnomAD v4.1: 13 of 1,594,334 alleles (0.00082%); highest among the groups gnomAD compares: Non-Finnish European, 0.0011%; no homozygotes.

Submissions (4):

Ambry Genetics
Classification: Likely pathogenic for Inborn genetic diseases. Last evaluated: 2026-01-21. Review status: criteria provided, single submitter. Criteria: Ambry Variant Classification Scheme 2023. Collection method: clinical testing. Allele origin: germline.
Comment: The c.513+1G>C intronic variant consists of a G to C substitution one nucleotide after exon 5 (coding exon 4) of the DUOX2 gene. Alterations that disrupt the canonical splice site are expected to cause aberrant splicing, resulting in an abnormal protein or a transcript that is subject to nonsense-mediated mRNA decay. Based on data from gnomAD, the C allele has an overall frequency of 0.001% (3/246426) total alleles studied. The highest observed frequency was 0.003% (3/109400) of European (non-Finnish) alleles. This variant has been identified in the homozygous state and/or in conjunction with other DUOX2 variant(s) in individual(s) with features consistent with DUOX2-related thyroid dyshormonogenesis (Baz-Red&oacute;n, 2024). This nucleotide position is highly conserved in available vertebrate species. In silico splice site analysis predicts that this alteration will weaken the native splice donor site and will result in the creation or strengthening of a novel splice donor site. Based on the available evidence, this alteration is classified as likely pathogenic.

Labcorp Genetics (formerly Invitae), Labcorp
Classification: Likely pathogenic. Last evaluated: 2026-01-11. Review status: criteria provided, single submitter. Criteria: Invitae Variant Classification Sherloc (09022015). Collection method: clinical testing. Allele origin: germline.
Comment: This sequence change affects a donor splice site in intron 5 of the DUOX2 gene. It is expected to disrupt RNA splicing. Variants that disrupt the donor or acceptor splice site typically lead to a loss of protein function (PMID: 16199547), and loss-of-function variants in DUOX2 are known to be pathogenic (PMID: 12110737, 18765513, 21565790, 24423310, 24735383). This variant is present in population databases (rs752635135, gnomAD 0.003%). Disruption of this splice site has been observed in individual(s) with thyroid dyshormonogenesis (PMID: 39126042). ClinVar contains an entry for this variant (Variation ID: 638519). Algorithms developed to predict the effect of sequence changes on RNA splicing suggest that this variant may disrupt the consensus splice site. In summary, the currently available evidence indicates that the variant is pathogenic, but additional data are needed to prove that conclusively. Therefore, this variant has been classified as Likely Pathogenic.

Genomic Medicine Center of Excellence, King Faisal Specialist Hospital and Research Centre
Classification: Pathogenic for Thyroid dyshormonogenesis 6. Last evaluated: 2024-04-04. Review status: criteria provided, single submitter. Criteria: ACMG Guidelines, 2015. Collection method: clinical testing. Allele origin: germline.

Genomic Research Center, Shahid Beheshti University of Medical Sciences
Classification: Pathogenic for Thyroid dyshormonogenesis 6. Last evaluated: 2019-04-27. Review status: criteria provided, single submitter. Criteria: ACMG Guidelines, 2015. Collection method: clinical testing. Allele origin: inherited. Affected: yes.

Literature cited by the submitters: PubMed 39126042 (cited by Ambry Genetics and Labcorp Genetics (formerly Invitae), Labcorp); PubMed 16199547 (cited by Labcorp Genetics (formerly Invitae), Labcorp); PubMed 12110737 (cited by Labcorp Genetics (formerly Invitae), Labcorp); PubMed 18765513 (cited by Labcorp Genetics (formerly Invitae), Labcorp); PubMed 21565790 (cited by Labcorp Genetics (formerly Invitae), Labcorp); PubMed 24423310 (cited by Labcorp Genetics (formerly Invitae), Labcorp); PubMed 24735383 (cited by Labcorp Genetics (formerly Invitae), Labcorp).

NM_001363711.2(DUOX2):c.513+1G>C

Gene: DUOX2 (dual oxidase 2; minus strand). Cytogenetic location: 15q21.1.
Variant type: single nucleotide variant.
Coding change: c.513+1G>C on transcript NM_001363711.2 (MANE Select); the canonical splice donor site of the intron after coding-DNA position 513, G replaced by C.
Molecular consequence: splice donor variant.
Genome position (GRCh38, 1-based): chr15:45,111,767, C>G on the plus strand (G>C on the coding strand, the complement: DUOX2 is on the minus strand). VCF-style: chr15-45111767-C-G. GRCh37 (hg19) VCF-style: chr15-45403965-C-G.
Other names: c.513+1G>C (NM_014080.5).
Identifiers: ClinVar variation 638519 (VCV000638519.10), dbSNP rs752635135, ClinGen allele CA7538936.